The following is an entry in ClinVar:

NM_001348716.2(KDM6B):c.3656C>T (p.Ala1219Val)

Gene: KDM6B (lysine demethylase 6B; plus strand). Cytogenetic location: 17p13.1.
Variant type: single nucleotide variant.
Coding change: c.3656C>T on transcript NM_001348716.2 (MANE Select); coding-DNA position 3656, C replaced by T.
Protein change: p.Ala1219Val; replaces alanine 1219 with valine.
Molecular consequence: missense variant.
Genome position (GRCh38, 1-based): chr17:7,850,160, C>T. VCF-style: chr17-7850160-C-T. GRCh37 (hg19) VCF-style: chr17-7753478-C-T.
Other names: c.3656C>T, p.Ala1219Val (NM_001080424.2); short protein forms A1219V.
Identifiers: ClinVar variation 3533210 (VCV003533210.2).

ClinVar aggregate classification (germline): Uncertain significance. Review status: criteria provided, multiple submitters, no conflicts (2 of 4 stars). 2 submissions from 2 submitters: Uncertain significance (2). Last evaluated 2025-10-03.

Conditions:
Inborn genetic diseases. Identifiers: MedGen C0950123, MeSH D030342.

Submissions (2):

Labcorp Genetics (formerly Invitae), Labcorp
Classification: Uncertain significance. Last evaluated: 2025-10-03. Review status: criteria provided, single submitter. Criteria: Invitae Variant Classification Sherloc (09022015). Collection method: clinical testing. Allele origin: germline.
Comment: This sequence change replaces alanine, which is neutral and non-polar, with valine, which is neutral and non-polar, at codon 1219 of the KDM6B protein (p.Ala1219Val). This variant is not present in population databases (gnomAD no frequency). This variant has not been reported in the literature in individuals affected with KDM6B-related conditions. ClinVar contains an entry for this variant (Variation ID: 3533210). Experimental studies and prediction algorithms are not available or were not evaluated, and the functional significance of this variant is currently unknown. In summary, the available evidence is currently insufficient to determine the role of this variant in disease. Therefore, it has been classified as a Variant of Uncertain Significance.

Ambry Genetics
Classification: Uncertain significance for Inborn genetic diseases. Last evaluated: 2024-12-01. Review status: criteria provided, single submitter. Criteria: Ambry Variant Classification Scheme 2023. Collection method: clinical testing. Allele origin: germline.